The following is an entry in ClinVar:

NM_004994.3(MMP9):c.344A>G (p.Lys115Arg)

Gene: MMP9 (matrix metallopeptidase 9; plus strand). Cytogenetic location: 20q13.12.
Variant type: single nucleotide variant.
Coding change: c.344A>G on transcript NM_004994.3 (MANE Select); coding-DNA position 344, A replaced by G.
Protein change: p.Lys115Arg; replaces lysine 115 with arginine.
Molecular consequence: missense variant.
Genome position (GRCh38, 1-based): chr20:46,010,071, A>G. VCF-style: chr20-46010071-A-G. GRCh37 (hg19) VCF-style: chr20-44638710-A-G.
Other names: short protein forms K115R.
Identifiers: ClinVar variation 895811 (VCV000895811.16), dbSNP rs202158739, ClinGen allele CA9886353.

ClinVar aggregate classification (germline): Uncertain significance. Review status: criteria provided, multiple submitters, no conflicts (2 of 4 stars). 3 submissions from 3 submitters: Uncertain significance (3). Last evaluated 2025-08-18.

Conditions:
Metaphyseal anadysplasia 2 (MANDP2). Also called: Metaphyseal anadysplasia 2, autosomal recessive. Identifiers: Orphanet 1040, MedGen C2751322, MONDO:0013113, OMIM 613073.

Allele frequency attached by ClinVar (database versions not stated): gnomAD 0.00009 and 0.00011; gnomAD exomes 0.00011 and 0.00025; TOPMed 0.00015; ExAC 0.00025.
gnomAD v4.1: 165 of 1,424,036 alleles (0.012%); highest among the groups gnomAD compares: Middle Eastern, 0.46%; no homozygotes.

Submissions (3):

Labcorp Genetics (formerly Invitae), Labcorp
Classification: Uncertain significance. Last evaluated: 2025-08-18. Review status: criteria provided, single submitter. Criteria: Invitae Variant Classification Sherloc (09022015). Collection method: clinical testing. Allele origin: germline.
Comment: This sequence change replaces lysine, which is basic and polar, with arginine, which is basic and polar, at codon 115 of the MMP9 protein (p.Lys115Arg). This variant is present in population databases (rs202158739, gnomAD 0.1%), and has an allele count higher than expected for a pathogenic variant. This variant has not been reported in the literature in individuals affected with MMP9-related conditions. ClinVar contains an entry for this variant (Variation ID: 895811). An algorithm developed to predict the effect of missense changes on protein structure and function outputs the following: PolyPhen-2: "Benign". The arginine amino acid residue is found in multiple mammalian species, which suggests that this missense change does not adversely affect protein function. In summary, the available evidence is currently insufficient to determine the role of this variant in disease. Therefore, it has been classified as a Variant of Uncertain Significance.

CeGaT Center for Human Genetics Tuebingen
Classification: Uncertain significance. Last evaluated: 2025-03-01. Review status: criteria provided, single submitter. Criteria: CeGaT Center For Human Genetics Tuebingen Variant Classification Criteria Version 2. Collection method: clinical testing. Allele origin: germline. Affected: yes. Observed: 1 variant allele.
Comment: MMP9: PM2, BP4

Illumina Laboratory Services, Illumina
Classification: Uncertain significance for Metaphyseal anadysplasia 2. Last evaluated: 2018-01-13. Review status: criteria provided, single submitter. Criteria: ICSL Variant Classification Criteria 13 December 2019. Collection method: clinical testing. Allele origin: germline.